The following is an entry in ClinVar:

ClinVar aggregate classification (germline): Uncertain significance (1 of 4 stars; one submission).

gnomAD v4.1: 2 of 1,612,718 alleles (0.00012%); highest among the groups gnomAD compares: Admixed American, 0.0017%; no homozygotes.

Submission:

GeneDx
Classification: Uncertain significance. Last evaluated: 2024-06-28. Review status: criteria provided, single submitter. Criteria: GeneDx Variant Classification Process June 2021. Collection method: clinical testing. Allele origin: germline. Affected: yes.
Comment: Not observed at significant frequency in large population cohorts (gnomAD); In silico analysis supports a deleterious effect on splicing; In silico analysis indicates that this missense variant does not alter protein structure/function; Has not been previously published as pathogenic or benign to our knowledge

NM_017672.6(TRPM7):c.4669G>A (p.Ala1557Thr)

Gene: TRPM7 (transient receptor potential cation channel subfamily M member 7; minus strand). Cytogenetic location: 15q21.2.
Variant type: single nucleotide variant.
Coding change: c.4669G>A on transcript NM_017672.6 (MANE Select); coding-DNA position 4669, G replaced by A.
Protein change: p.Ala1557Thr; replaces alanine 1557 with threonine.
Molecular consequence: missense variant. On other transcripts: non-coding transcript variant (3).
Genome position (GRCh38, 1-based): chr15:50,575,869, C>T on the plus strand (G>A on the coding strand, the complement: TRPM7 is on the minus strand). VCF-style: chr15-50575869-C-T. GRCh37 (hg19) VCF-style: chr15-50868066-C-T.
Other names: c.4666G>A, p.Ala1556Thr (NM_001301212.2); short protein forms A1556T, A1557T.
Identifiers: ClinVar variation 3392975 (VCV003392975.1).